The following is an entry in ClinVar:

NM_001040108.2(MLH3):c.2225G>A (p.Arg742His)

Gene: MLH3 (mutL homolog 3; minus strand). Cytogenetic location: 14q24.3.
Variant type: single nucleotide variant.
Coding change: c.2225G>A on transcript NM_001040108.2 (MANE Select); coding-DNA position 2225, G replaced by A.
Protein change: p.Arg742His; replaces arginine 742 with histidine.
Molecular consequence: missense variant.
Genome position (GRCh38, 1-based): chr14:75,047,431, C>T on the plus strand (G>A on the coding strand, the complement: MLH3 is on the minus strand). VCF-style: chr14-75047431-C-T. GRCh37 (hg19) VCF-style: chr14-75514134-C-T.
Other names: c.2225G>A, p.Arg742His (NM_014381.3); short protein forms R742H.
Identifiers: ClinVar variation 1438721 (VCV001438721.8), dbSNP rs375623365, ClinGen allele CA7275731.

ClinVar aggregate classification (germline): Conflicting classifications of pathogenicity. Review status: criteria provided, conflicting classifications (1 of 4 stars). 2 submissions from 2 submitters: Uncertain significance (1); Likely benign (1). Last evaluated 2024-10-30.

Conditions:
Colorectal cancer, hereditary nonpolyposis, type 7. Identifiers: Orphanet 144, MedGen C1858380, MONDO:0013725, OMIM 614385.

Allele frequency attached by ClinVar (database versions not stated): gnomAD 0.00001; gnomAD exomes 0.00003; ExAC 0.00004.
gnomAD v4.1: 25 of 1,613,962 alleles (0.0015%); highest among the groups gnomAD compares: Admixed American, 0.0083%; no homozygotes.

Submissions (2):

Labcorp Genetics (formerly Invitae), Labcorp
Classification: Uncertain significance for Colorectal cancer, hereditary nonpolyposis, type 7. Last evaluated: 2024-10-30. Review status: criteria provided, single submitter. Criteria: Invitae Variant Classification Sherloc (09022015). Collection method: clinical testing. Allele origin: germline.
Comment: This sequence change replaces arginine, which is basic and polar, with histidine, which is basic and polar, at codon 742 of the MLH3 protein (p.Arg742His). This variant is present in population databases (rs375623365, gnomAD 0.01%). This variant has not been reported in the literature in individuals affected with MLH3-related conditions. ClinVar contains an entry for this variant (Variation ID: 1438721). An algorithm developed to predict the effect of missense changes on protein structure and function outputs the following: PolyPhen-2: "Benign". The histidine amino acid residue is found in multiple mammalian species, which suggests that this missense change does not adversely affect protein function. In summary, the available evidence is currently insufficient to determine the role of this variant in disease. Therefore, it has been classified as a Variant of Uncertain Significance.

Ambry Genetics
Classification: Likely benign. Last evaluated: 2020-09-29. Review status: criteria provided, single submitter. Criteria: Ambry Variant Classification Scheme 2023. Collection method: clinical testing. Allele origin: germline.